The following is an entry in ClinVar:

ClinVar aggregate classification (germline): Uncertain significance. Review status: criteria provided, multiple submitters, no conflicts (2 of 4 stars). 3 submissions from 3 submitters: Uncertain significance (2). 1 of the submissions does not count toward it. Last evaluated 2020-03-27.

Conditions:
Muscular dystrophy-dystroglycanopathy (congenital with brain and eye anomalies), type A, 7. Also called: WALKER-WARBURG SYNDROME OR MUSCLE-EYE-BRAIN DISEASE, ISPD-RELATED; Congenital muscular dystrophy-dystroglycanopathy with brain and eye anomalies, type A7. Identifiers: Orphanet 899, MedGen C3553330, MONDO:0013835, OMIM 614643.
Autosomal recessive limb-girdle muscular dystrophy type 2U. Also called: MUSCULAR DYSTROPHY, LIMB-GIRDLE, TYPE 2U; Muscular dystrophy-dystroglycanopathy (limb-girdle), type c, 7. Identifiers: Orphanet 352479, MedGen C5190987, MONDO:0014474, OMIM 616052.

Allele frequency attached by ClinVar (database versions not stated): TOPMed 0.00001.

Submissions (3):

Labcorp Genetics (formerly Invitae), Labcorp
Classification: Uncertain significance for Muscular dystrophy-dystroglycanopathy (congenital with brain and eye anomalies), type A, 7; Autosomal recessive limb-girdle muscular dystrophy type 2U. Last evaluated: 2020-03-27. Review status: criteria provided, single submitter. Criteria: Invitae Variant Classification Sherloc (09022015). Collection method: clinical testing. Allele origin: germline.
Comment: Algorithms developed to predict the effect of missense changes on protein structure and function (SIFT, PolyPhen-2, Align-GVGD) all suggest that this variant is likely to be disruptive, but these predictions have not been confirmed by published functional studies and their clinical significance is uncertain. This variant has been observed in individual(s) with clinical features of ISPD-related disease (PMID: 23217329). ClinVar contains an entry for this variant (Variation ID: 39612). This variant is present in population databases (rs397515409, ExAC 0.008%). This sequence change replaces threonine with isoleucine at codon 238 of the ISPD protein (p.Thr238Ile). The threonine residue is highly conserved and there is a moderate physicochemical difference between threonine and isoleucine. In summary, the available evidence is currently insufficient to determine the role of this variant in disease. Therefore, it has been classified as a Variant of Uncertain Significance.

Eurofins Ntd Llc (ga)
Classification: Uncertain significance. Last evaluated: 2016-04-15. Review status: criteria provided, single submitter. Criteria: EGL Classification Definitions 2015. Collection method: clinical testing. Allele origin: germline. Observed: 1 variant allele, 1 heterozygote.

OMIM
Classification: Pathogenic for MUSCULAR DYSTROPHY-DYSTROGLYCANOPATHY (CONGENITAL WITH BRAIN AND EYE ANOMALIES), TYPE A, 7. Last evaluated: 2012-12-07. Review status: no assertion criteria provided. Collection method: literature only. Allele origin: germline. Not counted in ClinVar's aggregate classification.

Literature cited by the submitters: PubMed 23217329 (cited by Labcorp Genetics (formerly Invitae), Labcorp and OMIM).

NM_001101426.4(CRPPA):c.713C>T (p.Thr238Ile)

Gene: CRPPA (CDP-L-ribitol pyrophosphorylase A; minus strand). Cytogenetic location: 7p21.2.
Variant type: single nucleotide variant.
Coding change: c.713C>T on transcript NM_001101426.4 (MANE Select); coding-DNA position 713, C replaced by T.
Protein change: p.Thr238Ile; replaces threonine 238 with isoleucine.
Molecular consequence: missense variant. On other transcripts: intron variant (1).
Genome position (GRCh38, 1-based): chr7:16,308,599, G>A on the plus strand (C>T on the coding strand, the complement: CRPPA is on the minus strand). VCF-style: chr7-16308599-G-A. GRCh37 (hg19) VCF-style: chr7-16348224-G-A.
Other names: c.563C>T, p.Thr188Ile (NM_001101417.4); c.685-7133C>T (NM_001368197.1); short protein forms T238I, T188I.
Identifiers: ClinVar variation 39612 (VCV000039612.14), dbSNP rs397515409, ClinGen allele CA261193.